The following is an entry in ClinVar:

ClinVar aggregate classification (germline): Uncertain significance. Review status: criteria provided, multiple submitters, no conflicts (2 of 4 stars). 2 submissions from 2 submitters: Uncertain significance (2). Last evaluated 2025-07-02.

Conditions:
Hereditary cancer-predisposing syndrome. Also called: Tumor predisposition; Hereditary neoplastic syndrome; Neoplastic Syndromes, Hereditary; Hereditary Cancer Syndrome. Identifiers: Orphanet 140162, MedGen C0027672, MeSH D009386, MONDO:0015356.
Ataxia-telangiectasia syndrome (AT). Also called: Ataxia-telangiectasia, complementation group D; AT, COMPLEMENTATION GROUP C; ATAXIA-TELANGIECTASIA, COMPLEMENTATION GROUP A; ATAXIA-TELANGIECTASIA, FRESNO VARIANT; Ataxia-telangiectasia; LOUIS-BAR SYNDROME. Identifiers: Orphanet 100, MedGen C0004135, MONDO:0008840, OMIM 208900.

Submissions (2):

Ambry Genetics
Classification: Uncertain significance for Hereditary cancer-predisposing syndrome. Last evaluated: 2025-07-02. Review status: criteria provided, single submitter. Criteria: Ambry Variant Classification Scheme 2023. Collection method: clinical testing. Allele origin: germline.
Comment: The p.C2021R variant (also known as c.6061T>C), located in coding exon 40 of the ATM gene, results from a T to C substitution at nucleotide position 6061. The cysteine at codon 2021 is replaced by arginine, an amino acid with highly dissimilar properties. This amino acid position is highly conserved in available vertebrate species. In addition, the in silico prediction for this alteration is inconclusive. Based on the available evidence, the clinical significance of this variant remains unclear.

Labcorp Genetics (formerly Invitae), Labcorp
Classification: Uncertain significance for Ataxia-telangiectasia syndrome. Last evaluated: 2023-04-11. Review status: criteria provided, single submitter. Criteria: Invitae Variant Classification Sherloc (09022015). Collection method: clinical testing. Allele origin: germline.
Comment: An algorithm developed to predict the effect of missense changes on protein structure and function (PolyPhen-2) suggests that this variant is likely to be disruptive. This sequence change replaces cysteine, which is neutral and slightly polar, with arginine, which is basic and polar, at codon 2021 of the ATM protein (p.Cys2021Arg). This variant is not present in population databases (gnomAD no frequency). This variant has not been reported in the literature in individuals affected with ATM-related conditions. ClinVar contains an entry for this variant (Variation ID: 648132). In summary, the available evidence is currently insufficient to determine the role of this variant in disease. Therefore, it has been classified as a Variant of Uncertain Significance.

NM_000051.4(ATM):c.6061T>C (p.Cys2021Arg)

Genes: ATM (ATM serine/threonine kinase; plus strand), C11orf65 (chromosome 11 open reading frame 65; minus strand). Cytogenetic location: 11q22.3.
Variant type: single nucleotide variant.
Coding change: c.6061T>C on transcript NM_000051.4 (MANE Select); coding-DNA position 6061, T replaced by C.
Protein change: p.Cys2021Arg; replaces cysteine 2021 with arginine.
Molecular consequence: missense variant. On other transcripts: intron variant (2).
Genome position (GRCh38, 1-based): chr11:108,315,877, T>C. VCF-style: chr11-108315877-T-C. GRCh37 (hg19) VCF-style: chr11-108186604-T-C.
Other names: c.6061T>C, p.Cys2021Arg (NM_001351834.2); c.641-6806A>G (NM_001330368.2); c.*39-6806A>G (NM_001351110.2); short protein forms C2021R.
Identifiers: ClinVar variation 648132 (VCV000648132.14), dbSNP rs1591776961, ClinGen allele CA382550044.